The following is an entry in ClinVar:

NM_138713.4(NFAT5):c.3466A>G (p.Thr1156Ala)

Gene: NFAT5 (nuclear factor of activated T cells 5; plus strand). Cytogenetic location: 16q22.1.
Variant type: single nucleotide variant.
Coding change: c.3466A>G on transcript NM_138713.4 (MANE Select); coding-DNA position 3466, A replaced by G.
Protein change: p.Thr1156Ala; replaces threonine 1156 with alanine.
Molecular consequence: missense variant.
Genome position (GRCh38, 1-based): chr16:69,693,291, A>G. VCF-style: chr16-69693291-A-G. GRCh37 (hg19) VCF-style: chr16-69727194-A-G.
Other names: c.3466A>G (NM_138713.3); c.3463A>G, p.Thr1155Ala (NM_001113178.3); c.2791A>G, p.Thr931Ala (NM_001367709.1); c.3412A>G, p.Thr1138Ala (NM_006599.4); c.3184A>G, p.Thr1062Ala (NM_138714.4, NM_173214.3, NM_173215.3); short protein forms T1062A, T1156A, T1138A, T1155A, T931A.
Identifiers: ClinVar variation 1364153 (VCV001364153.7), dbSNP rs750787383, ClinGen allele CA8135909.
Genomic context (GRCh38, chr16:69,693,291, plus strand): 5'-CACTCTCAAAGTACCATTGCTGTGTTACAGGGCTCTTCAGTTCCTCAAGACCAGCAGTCA[A>G]CCAACATATTTCTTTCCCAGAGTCCCATGAATAATCTTCAGACTAACACAGTAGCCCAAG-3'
Protein context (NP_619727.2, residues 1146-1166): GSSVPQDQQS[Thr1156Ala]NIFLSQSPMN

ClinVar aggregate classification (germline): Conflicting classifications of pathogenicity. Review status: criteria provided, conflicting classifications (1 of 4 stars). 2 submissions from 2 submitters: Uncertain significance (1); Likely benign (1). Last evaluated 2025-06-10.

Conditions:
Immunodeficiency. Identifiers: MedGen C0021051, MONDO:0021094, HP:0002721.

Allele frequency attached by ClinVar (database versions not stated): ExAC 0.00004; gnomAD 0.00005; gnomAD exomes 0.00005 and 0.00006; TOPMed 0.00005.
gnomAD v4.1: 79 of 1,614,084 alleles (0.0049%); highest among the groups gnomAD compares: Admixed American, 0.015%; no homozygotes.

Submissions (2):

Ambry Genetics
Classification: Likely benign. Last evaluated: 2025-06-10. Review status: criteria provided, single submitter. Criteria: Ambry Variant Classification Scheme 2023. Collection method: clinical testing. Allele origin: germline.

Labcorp Genetics (formerly Invitae), Labcorp
Classification: Uncertain significance for Immunodeficiency. Last evaluated: 2024-06-29. Review status: criteria provided, single submitter. Criteria: Invitae Variant Classification Sherloc (09022015). Collection method: clinical testing. Allele origin: germline.
Comment: This sequence change replaces threonine, which is neutral and polar, with alanine, which is neutral and non-polar, at codon 1062 of the NFAT5 protein (p.Thr1062Ala). This variant is present in population databases (rs750787383, gnomAD 0.01%). This variant has not been reported in the literature in individuals affected with NFAT5-related conditions. ClinVar contains an entry for this variant (Variation ID: 1364153). Algorithms developed to predict the effect of missense changes on protein structure and function output the following: SIFT: "Not Available"; PolyPhen-2: "Benign"; Align-GVGD: "Not Available". The alanine amino acid residue is found in multiple mammalian species, which suggests that this missense change does not adversely affect protein function. In summary, the available evidence is currently insufficient to determine the role of this variant in disease. Therefore, it has been classified as a Variant of Uncertain Significance.